The following is an entry in ClinVar:

NM_001171.6(ABCC6):c.2695C>T (p.Arg899Cys)

Gene: ABCC6 (ATP binding cassette subfamily C member 6; minus strand). Cytogenetic location: 16p13.11.
Variant type: single nucleotide variant.
Coding change: c.2695C>T on transcript NM_001171.6 (MANE Select); coding-DNA position 2695, C replaced by T.
Protein change: p.Arg899Cys; replaces arginine 899 with cysteine.
Molecular consequence: missense variant. On other transcripts: non-coding transcript variant (1).
Genome position (GRCh38, 1-based): chr16:16,173,376, G>A on the plus strand (C>T on the coding strand, the complement: ABCC6 is on the minus strand). VCF-style: chr16-16173376-G-A. GRCh37 (hg19) VCF-style: chr16-16267233-G-A.
Other names: c.2353C>T, p.Arg785Cys (NM_001351800.1); short protein forms R899C, R785C.
Identifiers: ClinVar variation 710346 (VCV000710346.15), dbSNP rs11861980, ClinGen allele CA7925813.
Genomic context (GRCh38, chr16:16,173,376, plus strand): 5'-GCCATCCTGCCCTGTCAGGGTCATCCAGAGGAACCTCTGTCTGGGCTTCTGAAGTGGTAC[G>A]GTCCTTCTCAGGGACTGACTTGATGGACCTGTCATTTAGAGGAAATGAAGACAAAGTCAG-3'
Protein context (NP_001162.5, residues 889-909): RSIKSVPEKD[Arg899Cys]TTSEAQTEVP

ClinVar aggregate classification (germline): Likely benign. Review status: criteria provided, multiple submitters, no conflicts (2 of 4 stars). 6 submissions from 6 submitters: Likely benign (4). 2 of the submissions do not count toward it. Last evaluated 2026-01-21.

Conditions:
ABCC6-related disorder. Also called: ABCC6-related condition.
Autosomal recessive inherited pseudoxanthoma elasticum (PXE). Identifiers: Orphanet 758, MedGen CN032334, MONDO:0009925, OMIM 264800.
Pseudoxanthoma elasticum, forme fruste. Also called: PSEUDOXANTHOMA ELASTICUM, HETEROZYGOUS; Pseudoxanthoma Elasticum, Incomplete. Identifiers: Orphanet 758, MedGen C1867450, MONDO:0008333, OMIM 177850.
Arterial calcification, generalized, of infancy, 2. Identifiers: Orphanet 51608, MedGen C3276161, MONDO:0013768, OMIM 614473.

Allele frequency attached by ClinVar (database versions not stated): gnomAD exomes 0.00030; ExAC 0.00041; gnomAD 0.00098 and 0.00102; TOPMed 0.00123; ESP Exome Variant Server 0.00131; 1000 Genomes Project 30x 0.00250; 1000 Genomes Project 0.00260.
gnomAD v4.1: 355 of 1,614,060 alleles (0.022%); highest among the groups gnomAD compares: African/African-American, 0.41%; 2 homozygotes.

Submissions (6):

Labcorp Genetics (formerly Invitae), Labcorp
Classification: Likely benign. Last evaluated: 2026-01-21. Review status: criteria provided, single submitter. Criteria: Invitae Variant Classification Sherloc (09022015). Collection method: clinical testing. Allele origin: germline.

Blueprint Genetics
Classification: Likely benign. Last evaluated: 2024-11-26. Review status: criteria provided, single submitter. Criteria: ACMG Guidelines, 2015. Collection method: clinical testing. Allele origin: germline.

Fulgent Genetics
Classification: Likely benign for Pseudoxanthoma elasticum, forme fruste; Autosomal recessive inherited pseudoxanthoma elasticum; Arterial calcification, generalized, of infancy, 2. Last evaluated: 2022-05-18. Review status: criteria provided, single submitter. Criteria: ACMG Guidelines, 2015. Collection method: clinical testing. Allele origin: unknown.

Breakthrough Genomics
Classification: Likely benign. Review status: criteria provided, single submitter. Criteria: ACMG Guidelines, 2015. Collection method: not provided. Allele origin: germline. Inheritance: Autosomal recessive inheritance. Affected: yes.

PreventionGenetics, part of Exact Sciences
Classification: Likely benign for ABCC6-related condition. Last evaluated: 2022-06-01. Review status: no assertion criteria provided. Collection method: clinical testing. Allele origin: germline. Not counted in ClinVar's aggregate classification.
Comment: This variant is classified as likely benign based on ACMG/AMP sequence variant interpretation guidelines (Richards et al. 2015 PMID: 25741868, with internal and published modifications).

Department of Pathology and Laboratory Medicine, Sinai Health System
Classification: Uncertain significance. Review status: no assertion criteria provided. Collection method: clinical testing. Allele origin: unknown. Affected: yes. Study: The Canadian Open Genetics Repository (COGR). Not counted in ClinVar's aggregate classification.
Comment: The ABCC6 p.Arg785Cys variant was not identified in the literature nor was it identified in ClinVar. The variant was identified in dbSNP (ID: rs11861980) and LOVD 3.0 (not classified). The variant was identified in control databases in 99 of 282760 chromosomes at a frequency of 0.0003501 (Genome Aggregation Database March 6, 2019, v2.1.1). The variant was observed in the following populations: African in 96 of 24936 chromosomes (freq: 0.00385) and Latino in 3 of 35426 chromosomes (freq: 0.000085), but was not observed in the Ashkenazi Jewish, East Asian, European (Finnish), European (non-Finnish), Other, and South Asian populations. The p.Arg785 residue is not conserved in mammals and computational analyses (PolyPhen-2, SIFT, AlignGVGD, BLOSUM, MutationTaster) provide inconsistent predictions regarding the impact to the protein; this information is not very predictive of pathogenicity. The variant occurs outside of the splicing consensus sequence and in silico or computational prediction software programs (SpliceSiteFinder, MaxEntScan, NNSPLICE, GeneSplicer) do not predict a difference in splicing. In summary, based on the above information the clinical significance of this variant cannot be determined with certainty at this time. This variant is classified as a variant of uncertain significance.